The following is an entry in ClinVar:

ClinVar aggregate classification (germline): Uncertain significance (1 of 4 stars; one submission).

gnomAD v4.1: 79 of 1,612,840 alleles (0.0049%); highest among the groups gnomAD compares: East Asian, 0.0067%; no homozygotes.

Submission:

Labcorp Genetics (formerly Invitae), Labcorp
Classification: Uncertain significance. Last evaluated: 2025-02-12. Review status: criteria provided, single submitter. Criteria: Invitae Variant Classification Sherloc (09022015). Collection method: clinical testing. Allele origin: germline.
Comment: This sequence change replaces arginine, which is basic and polar, with cysteine, which is neutral and slightly polar, at codon 645 of the FOCAD protein (p.Arg645Cys). This variant is present in population databases (rs374861568, gnomAD 0.01%). This variant has not been reported in the literature in individuals affected with FOCAD-related conditions. In summary, the available evidence is currently insufficient to determine the role of this variant in disease. Therefore, it has been classified as a Variant of Uncertain Significance.

NM_001375567.1(FOCAD):c.1933C>T (p.Arg645Cys)

Gene: FOCAD (focadhesin; plus strand). Cytogenetic location: 9p21.3.
Variant type: single nucleotide variant.
Coding change: c.1933C>T on transcript NM_001375567.1 (MANE Select); coding-DNA position 1933, C replaced by T.
Protein change: p.Arg645Cys; replaces arginine 645 with cysteine.
Molecular consequence: missense variant.
Genome position (GRCh38, 1-based): chr9:20,862,590, C>T. VCF-style: chr9-20862590-C-T. GRCh37 (hg19) VCF-style: chr9-20862589-C-T.
Other names: c.1933C>T, p.Arg645Cys (NM_017794.5); c.1828C>T, p.Arg610Cys (NM_001375568.1, NM_001375570.1); short protein forms R610C, R645C.
Identifiers: ClinVar variation 3630533 (VCV003630533.2).